The following is an entry in ClinVar:

ClinVar aggregate classification (germline): Uncertain significance. Review status: criteria provided, multiple submitters, no conflicts (2 of 4 stars). 2 submissions from 2 submitters: Uncertain significance (2). Last evaluated 2025-11-08.

Conditions:
Inborn genetic diseases. Identifiers: MedGen C0950123, MeSH D030342.

gnomAD v4.1: 3 of 1,613,728 alleles (0.00019%); highest among the groups gnomAD compares: African/African-American, 0.0027%; no homozygotes.

Submissions (2):

Ambry Genetics
Classification: Uncertain significance for Inborn genetic diseases. Last evaluated: 2025-11-08. Review status: criteria provided, single submitter. Criteria: Ambry Variant Classification Scheme 2023. Collection method: clinical testing. Allele origin: germline.

Labcorp Genetics (formerly Invitae), Labcorp
Classification: Uncertain significance. Last evaluated: 2022-03-09. Review status: criteria provided, single submitter. Criteria: Invitae Variant Classification Sherloc (09022015). Collection method: clinical testing. Allele origin: germline.
Comment: This sequence change replaces phenylalanine, which is neutral and non-polar, with leucine, which is neutral and non-polar, at codon 532 of the TSPEAR protein (p.Phe532Leu). This variant is not present in population databases (gnomAD no frequency). This variant has not been reported in the literature in individuals affected with TSPEAR-related conditions. Algorithms developed to predict the effect of missense changes on protein structure and function are either unavailable or do not agree on the potential impact of this missense change (SIFT: "Deleterious"; PolyPhen-2: "Probably Damaging"; Align-GVGD: "Class C0"). In summary, the available evidence is currently insufficient to determine the role of this variant in disease. Therefore, it has been classified as a Variant of Uncertain Significance.

NM_144991.3(TSPEAR):c.1594T>C (p.Phe532Leu)

Genes: TSPEAR (thrombospondin type laminin G domain and EAR repeats; minus strand), TSPEAR-AS1 (TSPEAR antisense RNA 1; plus strand), LOC126653398 (CDK7 strongly-dependent group 2 enhancer GRCh37_chr21:45928270-45929469; plus strand). Cytogenetic location: 21q22.3.
Variant type: single nucleotide variant.
Coding change: c.1594T>C on transcript NM_144991.3 (MANE Select); coding-DNA position 1594, T replaced by C.
Protein change: p.Phe532Leu; replaces phenylalanine 532 with leucine.
Molecular consequence: missense variant. On other transcripts: non-coding transcript variant (1).
Genome position (GRCh38, 1-based): chr21:44,509,359, A>G on the plus strand (T>C on the coding strand, the complement: TSPEAR is on the minus strand). VCF-style: chr21-44509359-A-G. GRCh37 (hg19) VCF-style: chr21-45929242-A-G.
Other names: c.1390T>C, p.Phe464Leu (NM_001272037.2); c.1594T>C (NM_144991.2); short protein forms F464L, F532L.
Identifiers: ClinVar variation 1955950 (VCV001955950.6), dbSNP rs1318824392, ClinGen allele CA410432217.